The following is an entry in ClinVar:

ClinVar aggregate classification (germline): Uncertain significance (1 of 4 stars; one submission).

Conditions:
Neurofibromatosis, type 1 (NF1). Also called: Peripheral type neurofibromatosis; Neurofibromatosis, type I; VON RECKLINGHAUSEN DISEASE; NEUROFIBROMATOSIS, TYPE I, SOMATIC. Identifiers: Orphanet 636, MedGen C0027831, MONDO:0018975, OMIM 162200. Disease mechanism: loss of function.

Submission:

Labcorp Genetics (formerly Invitae), Labcorp
Classification: Uncertain significance for Neurofibromatosis, type 1. Last evaluated: 2025-02-18. Review status: criteria provided, single submitter. Criteria: Invitae Variant Classification Sherloc (09022015). Collection method: clinical testing. Allele origin: germline.
Comment: This sequence change replaces glutamic acid, which is acidic and polar, with lysine, which is basic and polar, at codon 1438 of the NF1 protein (p.Glu1438Lys). This variant is not present in population databases (gnomAD no frequency). This variant has not been reported in the literature in individuals affected with NF1-related conditions. Invitae Evidence Modeling of protein sequence and biophysical properties (such as structural, functional, and spatial information, amino acid conservation, physicochemical variation, residue mobility, and thermodynamic stability) indicates that this missense variant is expected to disrupt NF1 protein function with a positive predictive value of 80%. In summary, the available evidence is currently insufficient to determine the role of this variant in disease. Therefore, it has been classified as a Variant of Uncertain Significance.

NM_001042492.3(NF1):c.4375G>A (p.Glu1459Lys)

Gene: NF1 (neurofibromin 1; plus strand). Cytogenetic location: 17q11.2.
Variant type: single nucleotide variant.
Coding change: c.4375G>A on transcript NM_001042492.3 (MANE Select); coding-DNA position 4375, G replaced by A.
Protein change: p.Glu1459Lys; replaces glutamic acid 1459 with lysine.
Molecular consequence: missense variant.
Genome position (GRCh38, 1-based): chr17:31,259,074, G>A. VCF-style: chr17-31259074-G-A. GRCh37 (hg19) VCF-style: chr17-29586092-G-A.
Other names: c.4312G>A, p.Glu1438Lys (NM_000267.4); short protein forms E1459K, E1438K.
Identifiers: ClinVar variation 3687900 (VCV003687900.2).